The following is an entry in ClinVar:

ClinVar aggregate classification (germline): Uncertain significance (1 of 4 stars; one submission).

Allele frequency attached by ClinVar (database versions not stated): gnomAD exomes 0.00001; ExAC 0.00003.
gnomAD v4.1: 20 of 1,614,018 alleles (0.0012%); highest among the groups gnomAD compares: South Asian, 0.021%; no homozygotes.

Submission:

Labcorp Genetics (formerly Invitae), Labcorp
Classification: Uncertain significance. Last evaluated: 2022-04-07. Review status: criteria provided, single submitter. Criteria: Invitae Variant Classification Sherloc (09022015). Collection method: clinical testing. Allele origin: germline.
Comment: This sequence change replaces lysine, which is basic and polar, with glutamic acid, which is acidic and polar, at codon 629 of the COL4A2 protein (p.Lys629Glu). This variant is present in population databases (rs763608966, gnomAD 0.02%). This variant has not been reported in the literature in individuals affected with COL4A2-related conditions. Advanced modeling of protein sequence and biophysical properties (such as structural, functional, and spatial information, amino acid conservation, physicochemical variation, residue mobility, and thermodynamic stability) performed at Invitae indicates that this missense variant is not expected to disrupt COL4A2 protein function. In summary, the available evidence is currently insufficient to determine the role of this variant in disease. Therefore, it has been classified as a Variant of Uncertain Significance.

NM_001846.4(COL4A2):c.1885A>G (p.Lys629Glu)

Gene: COL4A2 (collagen type IV alpha 2 chain; plus strand). Cytogenetic location: 13q34.
Variant type: single nucleotide variant.
Coding change: c.1885A>G on transcript NM_001846.4 (MANE Select); coding-DNA position 1885, A replaced by G.
Protein change: p.Lys629Glu; replaces lysine 629 with glutamic acid.
Molecular consequence: missense variant.
Genome position (GRCh38, 1-based): chr13:110,465,513, A>G. VCF-style: chr13-110465513-A-G. GRCh37 (hg19) VCF-style: chr13-111117860-A-G.
Other names: short protein forms K629E.
Identifiers: ClinVar variation 2010636 (VCV002010636.4), dbSNP rs763608966, ClinGen allele CA7049740.